The following is an entry in ClinVar:

NM_001291303.3(FAT4):c.9441A>G (p.Ile3147Met)

Gene: FAT4 (FAT atypical cadherin 4; plus strand). Cytogenetic location: 4q28.1.
Variant type: single nucleotide variant.
Coding change: c.9441A>G on transcript NM_001291303.3 (MANE Select); coding-DNA position 9441, A replaced by G.
Protein change: p.Ile3147Met; replaces isoleucine 3147 with methionine.
Molecular consequence: missense variant.
Genome position (GRCh38, 1-based): chr4:125,450,451, A>G. VCF-style: chr4-125450451-A-G. GRCh37 (hg19) VCF-style: chr4-126371606-A-G.
Other names: c.9441A>G, p.Ile3147Met (NM_001291285.3); c.9435A>G, p.Ile3145Met (NM_024582.6); short protein forms I3145M, I3147M.
Identifiers: ClinVar variation 1474291 (VCV001474291.5), dbSNP rs375872898, ClinGen allele CA104881809.

ClinVar aggregate classification (germline): Uncertain significance (1 of 4 stars; one submission).

Allele frequency attached by ClinVar (database versions not stated): gnomAD exomes below 0.00001 and 0.00002; gnomAD 0.00002; TOPMed 0.00002; ESP Exome Variant Server 0.00008.
gnomAD v4.1: 10 of 1,614,014 alleles (0.00062%); highest among the groups gnomAD compares: African/African-American, 0.0027%; no homozygotes.

Submission:

Labcorp Genetics (formerly Invitae), Labcorp
Classification: Uncertain significance. Last evaluated: 2021-11-14. Review status: criteria provided, single submitter. Criteria: Invitae Variant Classification Sherloc (09022015). Collection method: clinical testing. Allele origin: germline.
Comment: This sequence change replaces isoleucine, which is neutral and non-polar, with methionine, which is neutral and non-polar, at codon 3145 of the FAT4 protein (p.Ile3145Met). This variant is present in population databases (rs375872898, gnomAD 0.005%). This variant has not been reported in the literature in individuals affected with FAT4-related conditions. Advanced modeling of protein sequence and biophysical properties (such as structural, functional, and spatial information, amino acid conservation, physicochemical variation, residue mobility, and thermodynamic stability) performed at Invitae indicates that this missense variant is not expected to disrupt FAT4 protein function. Algorithms developed to predict the effect of sequence changes on RNA splicing suggest that this variant may create or strengthen a splice site. In summary, the available evidence is currently insufficient to determine the role of this variant in disease. Therefore, it has been classified as a Variant of Uncertain Significance.